The following is an entry in ClinVar:

NM_017617.5(NOTCH1):c.1775G>A (p.Arg592His)

Gene: NOTCH1 (notch receptor 1; minus strand). Cytogenetic location: 9q34.3.
Variant type: single nucleotide variant.
Coding change: c.1775G>A on transcript NM_017617.5 (MANE Select); coding-DNA position 1775, G replaced by A.
Protein change: p.Arg592His; replaces arginine 592 with histidine.
Molecular consequence: missense variant.
Genome position (GRCh38, 1-based): chr9:136,515,611, C>T on the plus strand (G>A on the coding strand, the complement: NOTCH1 is on the minus strand). VCF-style: chr9-136515611-C-T. GRCh37 (hg19) VCF-style: chr9-139410063-C-T.
Other names: c.1775G>A, p.Arg592His (LRG_1122t1); short protein forms R592H.
Identifiers: ClinVar variation 264433 (VCV000264433.12), dbSNP rs544117297, ClinGen allele CA5341629.
Genomic context (GRCh38, chr9:136,515,611, plus strand): 5'-CAGGGCTGGCTGGAGCACTCGTTGATGTTGGTCTCGCAGTGGTGGCCCGTGTAGCCTGGG[C>T]GGCAGAGGCAGGTGAAGGTGGCGACGCCGTCCTTGCAGGAGCCGTAGTGGCAGGGGTCGG-3'
Protein context (NP_060087.3, residues 582-602): DGVATFTCLC[Arg592His]PGYTGHHCET

ClinVar aggregate classification (germline): Conflicting classifications of pathogenicity. Review status: criteria provided, conflicting classifications (1 of 4 stars). 4 submissions from 3 submitters: Uncertain significance (3); Benign (1). Last evaluated 2025-09-05.

Conditions:
Familial thoracic aortic aneurysm and aortic dissection (TAAD). Also called: Thoracic aortic aneurysms and dissections. Identifiers: Orphanet 91387, MedGen C4707243, MONDO:0019625.
Aortic valve disease 1 (AOVD1). Identifiers: MedGen C3887892, MONDO:0024523, OMIM 109730.
Adams-Oliver syndrome 5 (AOS5). Identifiers: Orphanet 974, MedGen C4014970, MONDO:0014459, OMIM 616028.

Allele frequency attached by ClinVar (database versions not stated): gnomAD 0.00001; TOPMed 0.00002; 1000 Genomes Project 0.00020; 1000 Genomes Project 30x 0.00031.
gnomAD v4.1: 19 of 1,608,578 alleles (0.0012%); highest among the groups gnomAD compares: East Asian, 0.0045%; no homozygotes.

Submissions (4):

Labcorp Genetics (formerly Invitae), Labcorp
Classification: Benign for Adams-Oliver syndrome 5. Last evaluated: 2025-09-05. Review status: criteria provided, single submitter. Criteria: Invitae Variant Classification Sherloc (09022015). Collection method: clinical testing. Allele origin: germline.

Genome-Nilou Lab
Classification: Uncertain significance for Adams-Oliver syndrome 5. Last evaluated: 2022-03-15. Review status: criteria provided, single submitter. Criteria: ACMG Guidelines, 2015. Collection method: clinical testing. Allele origin: germline. Affected: no.

Genome-Nilou Lab
Classification: Uncertain significance for Aortic valve disease 1. Last evaluated: 2022-03-15. Review status: criteria provided, single submitter. Criteria: ACMG Guidelines, 2015. Collection method: clinical testing. Allele origin: germline. Affected: no.

Ambry Genetics
Classification: Uncertain significance for Familial thoracic aortic aneurysm and aortic dissection. Last evaluated: 2015-10-03. Review status: criteria provided, single submitter. Criteria: Ambry Variant Classification Scheme 2023. Collection method: clinical testing. Allele origin: germline.
Comment: The p.R592H variant (also known as c.1775G>A), located in coding exon 11 of the NOTCH1 gene, results from a G to A substitution at nucleotide position 1775. The arginine at codon 592 is replaced by histidine, an amino acid with highly similar properties. This variant was not reported in population based cohorts in the following databases: Database of Single Nucleotide Polymorphisms (dbSNP), NHLBI Exome Sequencing Project (ESP), and 1000 Genomes Project. In the ESP, this variant was not observed in 6463 samples (12926 alleles) with coverage at this position. This amino acid position is poorly conserved in available vertebrate species. In addition, this alteration is predicted to be tolerated by in silico analysis. Since supporting evidence is limited at this time, the clinical significance of this variant remains unclear.